The following is an entry in ClinVar:

NM_001903.5(CTNNA1):c.1657A>G (p.Ile553Val)

Gene: CTNNA1 (catenin alpha 1; plus strand). Cytogenetic location: 5q31.2.
Variant type: single nucleotide variant.
Coding change: c.1657A>G on transcript NM_001903.5 (MANE Select); coding-DNA position 1657, A replaced by G.
Protein change: p.Ile553Val; replaces isoleucine 553 with valine.
Molecular consequence: missense variant.
Genome position (GRCh38, 1-based): chr5:138,924,620, A>G. VCF-style: chr5-138924620-A-G. GRCh37 (hg19) VCF-style: chr5-138260309-A-G.
Other names: c.1657A>G, p.Ile553Val (NM_001290307.3, NM_001323982.2, NM_001323983.1 and 2 more transcripts); c.1348A>G, p.Ile450Val (NM_001290309.3); c.1288A>G, p.Ile430Val (NM_001290310.3); c.547A>G, p.Ile183Val (NM_001290312.1, NM_001323987.1, NM_001323988.1 and 17 more transcripts); c.1564A>G, p.Ile522Val (NM_001323986.2); c.208A>G, p.Ile70Val (NM_001324006.1, NM_001324007.1, NM_001324008.1 and 2 more transcripts); c.454A>G, p.Ile152Val (NM_001324011.1); c.304A>G, p.Ile102Val (NM_001324012.1, NM_001324013.1); short protein forms I152V, I553V, I70V, I450V, I183V, I522V, I102V, I430V.
Identifiers: ClinVar variation 1039459 (VCV001039459.9), dbSNP rs1763615247, ClinGen allele CA361131909.

ClinVar aggregate classification (germline): Uncertain significance (1 of 4 stars; one submission).

Submission:

Labcorp Genetics (formerly Invitae), Labcorp
Classification: Uncertain significance. Last evaluated: 2024-09-09. Review status: criteria provided, single submitter. Criteria: Invitae Variant Classification Sherloc (09022015). Collection method: clinical testing. Allele origin: germline.
Comment: This sequence change replaces isoleucine, which is neutral and non-polar, with valine, which is neutral and non-polar, at codon 553 of the CTNNA1 protein (p.Ile553Val). This variant is not present in population databases (gnomAD no frequency). This variant has not been reported in the literature in individuals affected with CTNNA1-related conditions. ClinVar contains an entry for this variant (Variation ID: 1039459). Invitae Evidence Modeling of protein sequence and biophysical properties (such as structural, functional, and spatial information, amino acid conservation, physicochemical variation, residue mobility, and thermodynamic stability) indicates that this missense variant is not expected to disrupt CTNNA1 protein function with a negative predictive value of 80%. In summary, the available evidence is currently insufficient to determine the role of this variant in disease. Therefore, it has been classified as a Variant of Uncertain Significance.